The following is an entry in ClinVar:

NM_014967.5(FAN1):c.1958dup (p.Leu653fs)

Genes: FAN1 (FANCD2 and FANCI associated nuclease 1; plus strand), MTMR10 (myotubularin related protein 10; minus strand). Cytogenetic location: 15q13.3.
Variant type: Duplication.
Coding change: c.1958dup on transcript NM_014967.5 (MANE Select); coding-DNA position 1958, one base duplicated (T; older notation c.1958dupT).
Protein change: p.Leu653fs; shifts the reading frame from leucine 653.
Molecular consequence: frameshift variant.
Genome position (GRCh38, 1-based): chr15:30,920,559, T duplicated; the last of 3 consecutive T bases (chr15:30,920,557-30,920,559); duplicating any one gives the same sequence. VCF-style (leftmost placement, unchanged base first): chr15-30920556-A-AT. GRCh37 (hg19) VCF-style: chr15-31212759-A-AT.
Other names: short protein forms L653fs.
Identifiers: ClinVar variation 2123202 (VCV002123202.4), dbSNP rs2542664835, ClinGen allele CA2580089194.

ClinVar aggregate classification (germline): Pathogenic (1 of 4 stars; one submission).

Submission:

Labcorp Genetics (formerly Invitae), Labcorp
Classification: Pathogenic. Last evaluated: 2022-04-08. Review status: criteria provided, single submitter. Criteria: Invitae Variant Classification Sherloc (09022015). Collection method: clinical testing. Allele origin: germline.
Comment: For these reasons, this variant has been classified as Pathogenic. This variant has not been reported in the literature in individuals affected with FAN1-related conditions. This variant is not present in population databases (gnomAD no frequency). This sequence change creates a premature translational stop signal (p.Leu653Phefs*32) in the FAN1 gene. It is expected to result in an absent or disrupted protein product. Loss-of-function variants in FAN1 are known to be pathogenic (PMID: 22772369).

Literature cited by the submitters: PubMed 22772369.